The following is an entry in ClinVar:

NM_020366.4(RPGRIP1):c.3512_3513insG (p.Ile1171fs)

Gene: RPGRIP1 (RPGR interacting protein 1; plus strand). Cytogenetic location: 14q11.2.
Variant type: Insertion.
Coding change: c.3512_3513insG on transcript NM_020366.4 (MANE Select); coding-DNA positions 3512 to 3513, G inserted.
Protein change: p.Ile1171fs; shifts the reading frame from isoleucine 1171.
Molecular consequence: frameshift variant.
Genome position: GRCh38 VCF-style: chr14-21343208-T-TG. GRCh37 (hg19) VCF-style: chr14-21811367-T-TG.
Other names: c.1490_1491insG, p.Ile497fs (NM_001377523.1, NM_001377950.1); c.2438_2439insG, p.Ile813fs (NM_001377948.1); c.1598_1599insG, p.Ile533fs (NM_001377949.1); c.995_996insG, p.Ile332fs (NM_001377951.1); short protein forms I1171fs, I332fs, I497fs, I533fs, I813fs.
Identifiers: ClinVar variation 3759584 (VCV003759584.2).

ClinVar aggregate classification (germline): Pathogenic (1 of 4 stars; one submission).

Conditions:
Leber congenital amaurosis 6 (LCA6). Identifiers: Orphanet 65, MedGen C1854260, MONDO:0013446, OMIM 613826.
Cone-rod dystrophy 13 (CORD13). Identifiers: Orphanet 1872, MedGen C2750720, MONDO:0011987, OMIM 608194.

Submission:

Labcorp Genetics (formerly Invitae), Labcorp
Classification: Pathogenic for Leber congenital amaurosis 6; Cone-rod dystrophy 13. Last evaluated: 2024-10-24. Review status: criteria provided, single submitter. Criteria: Invitae Variant Classification Sherloc (09022015). Collection method: clinical testing. Allele origin: germline.
Comment: This sequence change creates a premature translational stop signal (p.Ile1171Metfs*6) in the RPGRIP1 gene. It is expected to result in an absent or disrupted protein product. Loss-of-function variants in RPGRIP1 are known to be pathogenic (PMID: 11528500, 23105016). This variant is not present in population databases (gnomAD no frequency). This variant has not been reported in the literature in individuals affected with RPGRIP1-related conditions. For these reasons, this variant has been classified as Pathogenic.

Literature cited by the submitters: PubMed 11528500; PubMed 23105016.